The following is an entry in ClinVar:

NM_001036.6(RYR3):c.3000A>C (p.Lys1000Asn)

Gene: RYR3 (ryanodine receptor 3; plus strand). Cytogenetic location: 15q14.
Variant type: single nucleotide variant.
Coding change: c.3000A>C on transcript NM_001036.6 (MANE Select); coding-DNA position 3000, A replaced by C.
Protein change: p.Lys1000Asn; replaces lysine 1000 with asparagine.
Molecular consequence: missense variant.
Genome position (GRCh38, 1-based): chr15:33,633,081, A>C. VCF-style: chr15-33633081-A-C. GRCh37 (hg19) VCF-style: chr15-33925282-A-C.
Other names: c.3000A>C, p.Lys1000Asn (NM_001243996.4); short protein forms K1000N.
Identifiers: ClinVar variation 962463 (VCV000962463.9), dbSNP rs1254419062, ClinGen allele CA391573128.

ClinVar aggregate classification (germline): Uncertain significance (1 of 4 stars; one submission).

Conditions:
Epileptic encephalopathy. Identifiers: MedGen C0543888, HP:0200134.

Allele frequency attached by ClinVar (database versions not stated): TOPMed below 0.00001; gnomAD 0.00001; gnomAD exomes 0.00002 and 0.00003.
gnomAD v4.1: 11 of 1,613,906 alleles (0.00068%); highest among the groups gnomAD compares: Admixed American, 0.018%; no homozygotes.

Submission:

Labcorp Genetics (formerly Invitae), Labcorp
Classification: Uncertain significance for Epileptic encephalopathy. Last evaluated: 2019-10-26. Review status: criteria provided, single submitter. Criteria: Invitae Variant Classification Sherloc (09022015). Collection method: clinical testing. Allele origin: germline.
Comment: In summary, the available evidence is currently insufficient to determine the role of this variant in disease. Therefore, it has been classified as a Variant of Uncertain Significance. Algorithms developed to predict the effect of missense changes on protein structure and function do not agree on the potential impact of this missense change (SIFT: "Deleterious"; PolyPhen-2: "Probably Damaging"; Align-GVGD: "Class C0"). This sequence change replaces lysine with asparagine at codon 1000 of the RYR3 protein (p.Lys1000Asn). The lysine residue is highly conserved and there is a moderate physicochemical difference between lysine and asparagine. This variant is not present in population databases (ExAC no frequency). This variant has not been reported in the literature in individuals with RYR3-related disease.